The following is an entry in ClinVar:

ClinVar aggregate classification (germline): Likely benign. Review status: criteria provided, multiple submitters, no conflicts (2 of 4 stars). 3 submissions from 3 submitters: Likely benign (3). Last evaluated 2026-03-11.

Conditions:
Cardiovascular phenotype. Identifiers: MedGen CN230736.
Dilated cardiomyopathy 1G (CMD1G). Identifiers: Orphanet 154, MedGen C1858763, MONDO:0011400, OMIM 604145.
Autosomal recessive limb-girdle muscular dystrophy type 2J (LGMDR10). Also called: Limb-girdle muscular dystrophy, type 2J; MUSCULAR DYSTROPHY, LIMB-GIRDLE, AUTOSOMAL RECESSIVE 10. Identifiers: Orphanet 140922, MedGen C1837342, MONDO:0012127, OMIM 608807.

Allele frequency attached by ClinVar (database versions not stated): ExAC 0.00002; TOPMed 0.00001; gnomAD 0.00002; gnomAD exomes 0.00001.
gnomAD v4.1: 19 of 1,612,238 alleles (0.0012%); highest among the groups gnomAD compares: South Asian, 0.013%; no homozygotes.

Submissions (3):

Ambry Genetics
Classification: Likely benign for Cardiovascular phenotype. Last evaluated: 2026-03-11. Review status: criteria provided, single submitter. Criteria: Ambry Variant Classification Scheme 2023. Collection method: clinical testing. Allele origin: germline.

Labcorp Genetics (formerly Invitae), Labcorp
Classification: Likely benign for Dilated cardiomyopathy 1G; Autosomal recessive limb-girdle muscular dystrophy type 2J. Last evaluated: 2025-04-02. Review status: criteria provided, single submitter. Criteria: Invitae Variant Classification Sherloc (09022015). Collection method: clinical testing. Allele origin: germline.

Laboratory for Molecular Medicine, Mass General Brigham Personalized Medicine
Classification: Likely benign. Last evaluated: 2012-04-17. Review status: criteria provided, single submitter. Criteria: LMM Criteria. Collection method: clinical testing. Allele origin: germline. Observed: 1 variant allele.
Comment: Val14951Val in exon 224 of TTN: This variant is not expected to have clinical si gnificance because it does not alter an amino acid residue and is not located wi thin the splice consensus sequence. Val14951Val in exon 224 of TTN (allele freq uency = n/a)

NM_001267550.2(TTN):c.52557C>T (p.Val17519=)

Genes: TTN (titin; minus strand), TTN-AS1 (TTN antisense RNA 1; plus strand), LOC126806425 (BRD4-independent group 4 enhancer GRCh37_chr2:179471933-179473132; plus strand). Cytogenetic location: 2q31.2.
Variant type: single nucleotide variant.
Coding change: c.52557C>T on transcript NM_001267550.2 (MANE Select); coding-DNA position 52557, C replaced by T.
Protein change: p.Val17519=; no amino-acid change (valine 17519 retained).
Molecular consequence: synonymous variant.
Genome position (GRCh38, 1-based): chr2:178,608,326, G>A on the plus strand (C>T on the coding strand, the complement: TTN is on the minus strand). VCF-style: chr2-178608326-G-A. GRCh37 (hg19) VCF-style: chr2-179473053-G-A.
Other names: c.44853C>T, p.Val14951= (NM_133378.4); c.47634C>T, p.Val15878= (NM_001256850.1); c.25362C>T, p.Val8454= (NM_003319.4); c.25737C>T, p.Val8579= (NM_133432.3); c.25938C>T, p.Val8646= (NM_133437.4).
Identifiers: ClinVar variation 47064 (VCV000047064.9), dbSNP rs397517610, ClinGen allele CA139900.
Genomic context (GRCh38, chr2:178,608,326, plus strand): 5'-GGTGAGTCCTTCTAATAAGCCATCTACATTGGCTTTCAAGGCATTCAGAAGGCTTTTGTT[G>A]ACACGAGACCAATGTGTACTGTTAACTTCACGTTTTTCAAGCCAGTAACCCAAAATGGGG-3'
Protein context (NP_001254479.2, residues 17509-17529): REVNSTHWSR[Val17519=]NKSLLNALKA